The following is an entry in ClinVar:

NM_001377299.1(NDUFS2):c.58C>A (p.Pro20Thr)

Genes: NDUFS2 (NADH:ubiquinone oxidoreductase core subunit S2; plus strand), LOC129931761 (ATAC-STARR-seq lymphoblastoid active region 1985; plus strand). Cytogenetic location: 1q23.3.
Variant type: single nucleotide variant.
Coding change: c.58C>A on transcript NM_001377299.1 (MANE Select); coding-DNA position 58, C replaced by A.
Protein change: p.Pro20Thr; replaces proline 20 with threonine.
Molecular consequence: missense variant. On other transcripts: non-coding transcript variant (1).
Genome position (GRCh38, 1-based): chr1:161,202,443, C>A. VCF-style: chr1-161202443-C-A. GRCh37 (hg19) VCF-style: chr1-161172233-C-A.
Other names: c.58C>A, p.Pro20Thr (NM_001166159.2, NM_001377298.1, NM_001377300.1 and 3 more transcripts); short protein forms P20T.
Identifiers: ClinVar variation 293269 (VCV000293269.32), dbSNP rs11538340, ClinGen allele CA1208457.
Genomic context (GRCh38, chr1:161,202,443, plus strand): 5'-AAGATGGCGGCGCTGAGGGCTTTGTGCGGCTTCCGGGGCGTCGCGGCCCAGGTGCTGCGG[C>A]CTGGGGCTGGAGTCCGATTGCCGATTCAGCCCAGCAGGTGAGATCGAGGGCAGCTCTCGA-3'
Protein context (NP_001364228.1, residues 10-30): FRGVAAQVLR[Pro20Thr]GAGVRLPIQP

ClinVar aggregate classification (germline): Benign. Review status: criteria provided, multiple submitters, no conflicts (2 of 4 stars). 7 submissions from 7 submitters: Benign (6). 1 of the submissions does not count toward it. Last evaluated 2026-02-03.

Conditions:
Mitochondrial complex I deficiency, nuclear type 1. Also called: NADH-COENZYME Q REDUCTASE DEFICIENCY; MITOCHONDRIAL NADH DEHYDROGENASE COMPONENT OF COMPLEX I, DEFICIENCY OF. Identifiers: MedGen C6022305, MONDO:0100224, OMIM 252010.
Mitochondrial complex I deficiency, nuclear type 6. Also called: Mitochondrial complex 1 deficiency, nuclear type 6. Identifiers: MedGen C4748759, MONDO:0032611, OMIM 618228.

Allele frequency attached by ClinVar (database versions not stated): TOPMed 0.07141; ESP Exome Variant Server 0.07407; 1000 Genomes Project 30x 0.08151; 1000 Genomes Project 0.08646.
gnomAD v4.1: 133,141 of 1,612,070 alleles (8.3%); highest among the groups gnomAD compares: South Asian, 17%; 6,104 homozygotes.

Submissions (7):

Labcorp Genetics (formerly Invitae), Labcorp
Classification: Benign. Last evaluated: 2026-02-03. Review status: criteria provided, single submitter. Criteria: Invitae Variant Classification Sherloc (09022015). Collection method: clinical testing. Allele origin: germline.

ARUP Laboratories, Molecular Genetics and Genomics, ARUP Laboratories
Classification: Benign for Mitochondrial complex I deficiency, nuclear type 6. Last evaluated: 2023-11-29. Review status: criteria provided, single submitter. Criteria: ARUP Molecular Germline Variant Investigation Process 2024. Collection method: clinical testing. Allele origin: germline.

Genome-Nilou Lab
Classification: Benign for Mitochondrial complex I deficiency, nuclear type 6. Last evaluated: 2023-04-11. Review status: criteria provided, single submitter. Criteria: ACMG Guidelines, 2015. Collection method: clinical testing. Allele origin: germline. Affected: no.

GeneDx
Classification: Benign. Last evaluated: 2018-12-06. Review status: criteria provided, single submitter. Criteria: GeneDx Variant Classification Process June 2021. Collection method: clinical testing. Allele origin: germline. Affected: yes.
Comment: This variant is associated with the following publications: (PMID: 27779215)

Illumina Laboratory Services, Illumina
Classification: Benign for Mitochondrial complex I deficiency, nuclear type 1. Last evaluated: 2018-01-13. Review status: criteria provided, single submitter. Criteria: ICSL Variant Classification Criteria 13 December 2019. Collection method: clinical testing. Allele origin: germline.
Comment: This variant was observed in the ICSL laboratory as part of a predisposition screen in an ostensibly healthy population. It had not been previously curated by ICSL or reported in the Human Gene Mutation Database (HGMD: prior to June 1st, 2018), and was therefore a candidate for classification through an automated scoring system. Utilizing variant allele frequency, disease prevalence and penetrance estimates, and inheritance mode, an automated score was calculated to assess if this variant is too frequent to cause the disease. Based on the score and internal cut-off values, a variant classified as benign is not then subjected to further curation. The score for this variant resulted in a classification of benign for this disease.

Breakthrough Genomics
Classification: Benign. Review status: criteria provided, single submitter. Criteria: ACMG Guidelines, 2015. Collection method: not provided. Allele origin: germline. Inheritance: Autosomal recessive inheritance. Affected: yes.

Mayo Clinic Laboratories, Mayo Clinic
Classification: Benign. Last evaluated: 2016-02-22. Review status: no assertion criteria provided. Collection method: clinical testing. Allele origin: unknown. Not counted in ClinVar's aggregate classification.